The following is an entry in ClinVar:

ClinVar aggregate classification (germline): Uncertain significance. Review status: criteria provided, multiple submitters, no conflicts (2 of 4 stars). 3 submissions from 3 submitters: Uncertain significance (2). 1 of the submissions does not count toward it. Last evaluated 2025-04-03.

Conditions:
DLST-related disorder. Also called: DLST-related condition.

Allele frequency attached by ClinVar (database versions not stated): ExAC 0.00007; gnomAD exomes 0.00011; gnomAD 0.00009; TOPMed 0.00011.
gnomAD v4.1: 84 of 1,614,082 alleles (0.0052%); highest among the groups gnomAD compares: Admixed American, 0.13%; 1 homozygote.

Submissions (3):

Ambry Genetics
Classification: Uncertain significance. Last evaluated: 2025-04-03. Review status: criteria provided, single submitter. Criteria: Ambry Variant Classification Scheme 2023. Collection method: clinical testing. Allele origin: germline.

Labcorp Genetics (formerly Invitae), Labcorp
Classification: Uncertain significance. Last evaluated: 2025-04-02. Review status: criteria provided, single submitter. Criteria: Invitae Variant Classification Sherloc (09022015). Collection method: clinical testing. Allele origin: germline.
Comment: This sequence change replaces proline, which is neutral and non-polar, with leucine, which is neutral and non-polar, at codon 129 of the DLST protein (p.Pro129Leu). This variant is present in population databases (rs769413082, gnomAD 0.1%), and has an allele count higher than expected for a pathogenic variant. This variant has not been reported in the literature in individuals affected with DLST-related conditions. ClinVar contains an entry for this variant (Variation ID: 2337791). In summary, the available evidence is currently insufficient to determine the role of this variant in disease. Therefore, it has been classified as a Variant of Uncertain Significance.

PreventionGenetics, part of Exact Sciences
Classification: Likely benign for DLST-related condition. Last evaluated: 2022-10-03. Review status: no assertion criteria provided. Collection method: clinical testing. Allele origin: germline. Not counted in ClinVar's aggregate classification.
Comment: This variant is classified as likely benign based on ACMG/AMP sequence variant interpretation guidelines (Richards et al. 2015 PMID: 25741868, with internal and published modifications).

NM_001933.5(DLST):c.386C>T (p.Pro129Leu)

Gene: DLST (dihydrolipoamide S-succinyltransferase; plus strand). Cytogenetic location: 14q24.3.
Variant type: single nucleotide variant.
Coding change: c.386C>T on transcript NM_001933.5 (MANE Select); coding-DNA position 386, C replaced by T.
Protein change: p.Pro129Leu; replaces proline 129 with leucine.
Molecular consequence: missense variant. On other transcripts: non-coding transcript variant (2).
Genome position (GRCh38, 1-based): chr14:74,891,111, C>T. VCF-style: chr14-74891111-C-T. GRCh37 (hg19) VCF-style: chr14-75357814-C-T.
Other names: c.386C>T, p.Pro129Leu (NM_001244883.2); short protein forms P129L.
Identifiers: ClinVar variation 2337791 (VCV002337791.6), dbSNP rs769413082, ClinGen allele CA7273474.